The following is an entry in ClinVar:

NM_000069.3(CACNA1S):c.2745+5G>A

Gene: CACNA1S (calcium voltage-gated channel subunit alpha1 S; minus strand). Cytogenetic location: 1q32.1.
Variant type: single nucleotide variant.
Coding change: c.2745+5G>A on transcript NM_000069.3 (MANE Select); 5 bases into the intron after coding-DNA position 2745, G replaced by A.
Molecular consequence: intron variant.
Genome position (GRCh38, 1-based): chr1:201,066,224, C>T on the plus strand (G>A on the coding strand, the complement: CACNA1S is on the minus strand). VCF-style: chr1-201066224-C-T. GRCh37 (hg19) VCF-style: chr1-201035352-C-T.
Identifiers: ClinVar variation 2098043 (VCV002098043.4), dbSNP rs2464520649, ClinGen allele CA2580061942.

ClinVar aggregate classification (germline): Uncertain significance (1 of 4 stars; one submission).

Conditions:
Malignant hyperthermia, susceptibility to, 5 (MHS5). Also called: CACNA1S-Related Malignant Hyperthermia Susceptibility. Identifiers: Orphanet 423, MedGen C1866077, MONDO:0011163, OMIM 601887.
Hypokalemic periodic paralysis, type 1. Also called: Hypokalemic Periodic Paralysis Type 1 (AD); HypoPP. Identifiers: Orphanet 681, MedGen C3714580, MONDO:0042979, OMIM 170400.

Submission:

Labcorp Genetics (formerly Invitae), Labcorp
Classification: Uncertain significance for Hypokalemic periodic paralysis, type 1; Malignant hyperthermia, susceptibility to, 5. Last evaluated: 2022-04-02. Review status: criteria provided, single submitter. Criteria: Invitae Variant Classification Sherloc (09022015). Collection method: clinical testing. Allele origin: germline.
Comment: This sequence change falls in intron 21 of the CACNA1S gene. It does not directly change the encoded amino acid sequence of the CACNA1S protein. It affects a nucleotide within the consensus splice site. This variant is not present in population databases (gnomAD no frequency). This variant has not been reported in the literature in individuals affected with CACNA1S-related conditions. Variants that disrupt the consensus splice site are a relatively common cause of aberrant splicing (PMID: 17576681, 9536098). Algorithms developed to predict the effect of sequence changes on RNA splicing suggest that this variant is not likely to affect RNA splicing. In summary, the available evidence is currently insufficient to determine the role of this variant in disease. Therefore, it has been classified as a Variant of Uncertain Significance.

Literature cited by the submitters: PubMed 17576681; PubMed 9536098.